The following is an entry in ClinVar:

ClinVar aggregate classification (germline): Uncertain significance (1 of 4 stars; one submission).

Conditions:
Marfan syndrome (MFS). Also called: MARFAN SYNDROME, TYPE I; Marfan syndrome type 1; Marfan's syndrome; Marfan syndrome, classic; FBN1-Related Marfan Syndrome. Identifiers: Orphanet 284963, Orphanet 558, MedGen C0024796, MONDO:0007947, OMIM 154700.

Allele frequency attached by ClinVar (database versions not stated): gnomAD exomes below 0.00001.
gnomAD v4.1: 4 of 1,614,224 alleles (0.00025%); highest among the groups gnomAD compares: Non-Finnish European, 0.00025%; no homozygotes.

Submission:

All of Us Research Program, National Institutes of Health
Classification: Uncertain significance for Marfan syndrome. Last evaluated: 2023-08-15. Review status: criteria provided, single submitter. Criteria: ACMG Guidelines, 2015. Collection method: clinical testing. Allele origin: germline. Inheritance: Autosomal dominant inheritance. Observed: 1 variant allele, 1 heterozygote.
Comment: This study involves interpretation of variants in research participants for the purpose of population health screening. Participant phenotype was not available at the time of variant classification. Additional details can be found in publication PMID: 35346344, PMCID: PMC8962531

NM_000138.5(FBN1):c.3494T>C (p.Leu1165Pro)

Gene: FBN1 (fibrillin 1; minus strand). Cytogenetic location: 15q21.1.
Variant type: single nucleotide variant.
Coding change: c.3494T>C on transcript NM_000138.5 (MANE Select); coding-DNA position 3494, T replaced by C.
Protein change: p.Leu1165Pro; replaces leucine 1165 with proline.
Molecular consequence: missense variant.
Genome position (GRCh38, 1-based): chr15:48,487,170, A>G on the plus strand (T>C on the coding strand, the complement: FBN1 is on the minus strand). VCF-style: chr15-48487170-A-G. GRCh37 (hg19) VCF-style: chr15-48779367-A-G.
Other names: c.3494T>C, p.Leu1165Pro (NM_001406716.1); short protein forms L1165P.
Identifiers: ClinVar variation 3072287 (VCV003072287.1), dbSNP rs2505549476, ClinGen allele CA392325262.